The following is an entry in ClinVar:

NM_001382391.1(CSPP1):c.2968G>A (p.Asp990Asn)

Gene: CSPP1 (centrosome and spindle pole associated protein 1; plus strand). Cytogenetic location: 8q13.2.
Variant type: single nucleotide variant.
Coding change: c.2968G>A on transcript NM_001382391.1 (MANE Select); coding-DNA position 2968, G replaced by A.
Protein change: p.Asp990Asn; replaces aspartic acid 990 with asparagine.
Molecular consequence: missense variant.
Genome position (GRCh38, 1-based): chr8:67,172,555, G>A. VCF-style: chr8-67172555-G-A. GRCh37 (hg19) VCF-style: chr8-68084790-G-A.
Other names: c.1918G>A, p.Asp640Asn (NM_001291339.2); c.2887G>A, p.Asp963Asn (NM_001363131.2); c.2773G>A, p.Asp925Asn (NM_001363132.2); c.2692G>A, p.Asp898Asn (NM_001363133.2); c.3034G>A, p.Asp1012Asn (NM_001364869.1); c.2854G>A, p.Asp952Asn (NM_001364870.1); c.2953G>A, p.Asp985Asn (NM_024790.7); short protein forms D898N, D925N, D963N, D1012N, D640N, D952N, D985N, D990N.
Identifiers: ClinVar variation 1439035 (VCV001439035.6), dbSNP rs1830678644, ClinGen allele CA371196239.
Genomic context (GRCh38, chr8:67,172,555, plus strand): 5'-AAGGGCTTAGACGCTGCCACTTTTCAGAATGTTCATGATTTTAATGAGCTGAAAGATAGA[G>A]GTGAGTAGATTGCTGCTCTTTTAAAGATGTAGCAGAAGTGTTCTACCCATATTTAAATAT-3'
Protein context (NP_001369320.1, residues 980-1000): VHDFNELKDR[Asp990Asn]SETRVDLKFM

ClinVar aggregate classification (germline): Uncertain significance (1 of 4 stars; one submission).

Conditions:
Joubert syndrome 21 (JBTS21). Identifiers: MedGen C3810212, MONDO:0014288, OMIM 615636.

Allele frequency attached by ClinVar (database versions not stated): TOPMed 0.00001.

Submission:

Labcorp Genetics (formerly Invitae), Labcorp
Classification: Uncertain significance for Joubert syndrome 21. Last evaluated: 2021-07-26. Review status: criteria provided, single submitter. Criteria: Invitae Variant Classification Sherloc (09022015). Collection method: clinical testing. Allele origin: germline.
Comment: In summary, the available evidence is currently insufficient to determine the role of this variant in disease. Therefore, it has been classified as a Variant of Uncertain Significance. Nucleotide substitutions within the consensus splice site are a relatively common cause of aberrant splicing (PMID: 17576681, 9536098). Algorithms developed to predict the effect of sequence changes on RNA splicing suggest that this variant may disrupt the consensus splice site. Algorithms developed to predict the effect of missense changes on protein structure and function are either unavailable or do not agree on the potential impact of this missense change (SIFT: "Deleterious"; PolyPhen-2: "Probably Damaging"; Align-GVGD: "Class C0"). This variant has not been reported in the literature in individuals affected with CSPP1-related conditions. This variant is not present in population databases (ExAC no frequency). This sequence change replaces aspartic acid with asparagine at codon 985 of the CSPP1 protein (p.Asp985Asn). The aspartic acid residue is moderately conserved and there is a small physicochemical difference between aspartic acid and asparagine. This variant also falls at the last nucleotide of exon 23, which is part of the consensus splice site for this exon.

Literature cited by the submitters: PubMed 17576681; PubMed 9536098.